The following is an entry in ClinVar:

ClinVar aggregate classification (germline): Likely benign. Review status: criteria provided, multiple submitters, no conflicts (2 of 4 stars). 2 submissions from 2 submitters: Likely benign (2). Last evaluated 2026-01-27.

Allele frequency attached by ClinVar (database versions not stated): 1000 Genomes Project 30x 0.00141; 1000 Genomes Project 0.00160; TOPMed 0.00198; gnomAD exomes 0.00203 and 0.00305; ExAC 0.00207; ESP Exome Variant Server 0.00208; gnomAD 0.00219 and 0.00221.
gnomAD v4.1: 4,731 of 1,611,874 alleles (0.29%); highest among the groups gnomAD compares: Non-Finnish European, 0.36%; 13 homozygotes.

Submissions (2):

Labcorp Genetics (formerly Invitae), Labcorp
Classification: Likely benign. Last evaluated: 2026-01-27. Review status: criteria provided, single submitter. Criteria: Invitae Variant Classification Sherloc (09022015). Collection method: clinical testing. Allele origin: germline.

GeneDx
Classification: Likely benign. Last evaluated: 2022-08-23. Review status: criteria provided, single submitter. Criteria: GeneDx Variant Classification Process June 2021. Collection method: clinical testing. Allele origin: germline. Affected: yes.
Comment: See Variant Classification Assertion Criteria.

NM_001486.4(GCKR):c.701A>C (p.Gln234Pro)

Gene: GCKR (glucokinase regulator; plus strand). Cytogenetic location: 2p23.3.
Variant type: single nucleotide variant.
Coding change: c.701A>C on transcript NM_001486.4 (MANE Select); coding-DNA position 701, A replaced by C.
Protein change: p.Gln234Pro; replaces glutamine 234 with proline.
Molecular consequence: missense variant.
Genome position (GRCh38, 1-based): chr2:27,503,570, A>C. VCF-style: chr2-27503570-A-C. GRCh37 (hg19) VCF-style: chr2-27726437-A-C.
Other names: short protein forms Q234P.
Identifiers: ClinVar variation 1207420 (VCV001207420.14), dbSNP rs147073127, ClinGen allele CA1581683.